The following is an entry in ClinVar:

NM_033118.4(MYLK2):c.966A>T (p.Lys322Asn)

Gene: MYLK2 (myosin light chain kinase 2; plus strand). Cytogenetic location: 20q11.21.
Variant type: single nucleotide variant.
Coding change: c.966A>T on transcript NM_033118.4 (MANE Select); coding-DNA position 966, A replaced by T.
Protein change: p.Lys322Asn; replaces lysine 322 with asparagine.
Molecular consequence: missense variant.
Genome position (GRCh38, 1-based): chr20:31,824,346, A>T. VCF-style: chr20-31824346-A-T. GRCh37 (hg19) VCF-style: chr20-30412149-A-T.
Other names: short protein forms K322N.
Identifiers: ClinVar variation 3915795 (VCV003915795.1).
Genomic context (GRCh38, chr20:31,824,346, plus strand): 5'-CATGGAGAAAGCCACAGGCCTCAAGCTGGCAGCCAAGGTCATCAAGAAACAGACTCCCAA[A>T]GACAAGGTAGTGAGGTTGCGGGGGTGGTGGCTGCCCAGGATGGGGAGGGGATCCTTGGAG-3'
Protein context (NP_149109.1, residues 312-332): AAKVIKKQTP[Lys322Asn]DKEMVLLEIE

ClinVar aggregate classification (germline): Uncertain significance (1 of 4 stars; one submission).

Submission:

Ambry Genetics
Classification: Uncertain significance. Last evaluated: 2025-05-24. Review status: criteria provided, single submitter. Criteria: Ambry Variant Classification Scheme 2023. Collection method: clinical testing. Allele origin: germline.
Comment: The p.K322N variant (also known as c.966A>T), located in coding exon 5 of the MYLK2 gene, results from an A to T substitution at nucleotide position 966. The lysine at codon 322 is replaced by asparagine, an amino acid with similar properties. This amino acid position is conserved. In addition, this alteration is predicted to be tolerated by in silico analysis. Based on the available evidence, the clinical significance of this variant remains unclear.